The following is an entry in ClinVar:

ClinVar aggregate classification (germline): Benign/Likely benign. Review status: criteria provided, multiple submitters, no conflicts (2 of 4 stars). 3 submissions from 3 submitters: Benign (1); Likely benign (2). Last evaluated 2025-05-20.

Conditions:
Tuberous sclerosis 2 (TSC2). Identifiers: Orphanet 805, MedGen C1860707, MONDO:0013199, OMIM 613254.
Hereditary cancer-predisposing syndrome. Also called: Neoplastic Syndromes, Hereditary; Tumor predisposition; Hereditary neoplastic syndrome; Hereditary Cancer Syndrome. Identifiers: Orphanet 140162, MedGen C0027672, MeSH D009386, MONDO:0015356.

Submissions (3):

Myriad Genetics, Inc.
Classification: Benign for Tuberous sclerosis 2. Last evaluated: 2025-05-20. Review status: criteria provided, single submitter. Criteria: Myriad Autosomal Dominant, Autosomal Recessive and X-Linked Classification Criteria (2023). Collection method: clinical testing. Allele origin: unknown.
Comment: This variant is considered benign. This variant is a silent/synonymous amino acid change and it is not expected to impact splicing.

Labcorp Genetics (formerly Invitae), Labcorp
Classification: Likely benign for Tuberous sclerosis 2. Last evaluated: 2025-02-16. Review status: criteria provided, single submitter. Criteria: Invitae Variant Classification Sherloc (09022015). Collection method: clinical testing. Allele origin: germline.

Ambry Genetics
Classification: Likely benign for Hereditary cancer-predisposing syndrome. Last evaluated: 2024-09-13. Review status: criteria provided, single submitter. Criteria: Ambry Variant Classification Scheme 2023. Collection method: clinical testing. Allele origin: germline.

NM_000548.5(TSC2):c.2499C>T (p.Ile833=)

Gene: TSC2 (TSC complex subunit 2; plus strand). Cytogenetic location: 16p13.3.
Variant type: single nucleotide variant.
Coding change: c.2499C>T on transcript NM_000548.5 (MANE Select); coding-DNA position 2499, C replaced by T.
Protein change: p.Ile833=; no amino-acid change (isoleucine 833 retained).
Molecular consequence: synonymous variant. On other transcripts: non-coding transcript variant (5).
Genome position (GRCh38, 1-based): chr16:2,074,343, C>T. VCF-style: chr16-2074343-C-T. GRCh37 (hg19) VCF-style: chr16-2124344-C-T.
Other names: c.2499C>T, p.Ile833= (NM_001077183.3, NM_001114382.3, NM_001363528.2 and 6 more transcripts); c.2388C>T, p.Ile796= (NM_001318827.2, NM_001406670.1, NM_001406678.1); c.2352C>T, p.Ile784= (NM_001318829.2, NM_001406675.1, NM_001406676.1 and 1 more transcripts); c.1899C>T, p.Ile633= (NM_001318831.2, NM_001406680.1, NM_001406682.1 and 6 more transcripts); c.2532C>T, p.Ile844= (NM_001318832.2); c.2589C>T, p.Ile863= (NM_001406667.1, NM_001406668.1); c.2487C>T, p.Ile829= (NM_001406671.1, NM_001406673.1); c.2442C>T, p.Ile814= (NM_001406677.1); and 3 more.
Identifiers: ClinVar variation 2755850 (VCV002755850.5), dbSNP rs2151354582, ClinGen allele CA492953196.